The following is an entry in ClinVar:

NM_013296.5(GPSM2):c.358G>A (p.Glu120Lys)

Gene: GPSM2 (G protein signaling modulator 2; plus strand). Cytogenetic location: 1p13.3.
Variant type: single nucleotide variant.
Coding change: c.358G>A on transcript NM_013296.5 (MANE Select); coding-DNA position 358, G replaced by A.
Protein change: p.Glu120Lys; replaces glutamic acid 120 with lysine.
Molecular consequence: missense variant.
Genome position (GRCh38, 1-based): chr1:108,897,571, G>A. VCF-style: chr1-108897571-G-A. GRCh37 (hg19) VCF-style: chr1-109440193-G-A.
Other names: c.358G>A, p.Glu120Lys (NM_001321038.2, NM_001321039.3); short protein forms E120K.
Identifiers: ClinVar variation 1431275 (VCV001431275.10), dbSNP rs754926445, ClinGen allele CA982784.

ClinVar aggregate classification (germline): Uncertain significance. Review status: criteria provided, multiple submitters, no conflicts (2 of 4 stars). 3 submissions from 3 submitters: Uncertain significance (3). Last evaluated 2024-11-19.

Conditions:
Chudley-McCullough syndrome (CMCS). Also called: Deafness, autosomal recessive 82; DEAFNESS, SENSORINEURAL, WITH PARTIAL AGENESIS OF THE CORPUS CALLOSUM AND ARACHNOID CYSTS. Identifiers: Orphanet 314597, MedGen C1858695, MONDO:0011411, OMIM 604213.

Allele frequency attached by ClinVar (database versions not stated): gnomAD 0.00006; TOPMed 0.00007; ExAC 0.00008; gnomAD exomes 0.00008 and 0.00012.
gnomAD v4.1: 188 of 1,613,300 alleles (0.012%); highest among the groups gnomAD compares: Non-Finnish European, 0.014%; no homozygotes.

Submissions (3):

Blueprint Genetics
Classification: Uncertain significance. Last evaluated: 2024-11-19. Review status: criteria provided, single submitter. Criteria: ACMG Guidelines, 2015. Collection method: clinical testing. Allele origin: germline.

Labcorp Genetics (formerly Invitae), Labcorp
Classification: Uncertain significance. Last evaluated: 2022-10-25. Review status: criteria provided, single submitter. Criteria: Invitae Variant Classification Sherloc (09022015). Collection method: clinical testing. Allele origin: germline.
Comment: In summary, the available evidence is currently insufficient to determine the role of this variant in disease. Therefore, it has been classified as a Variant of Uncertain Significance. Advanced modeling of protein sequence and biophysical properties (such as structural, functional, and spatial information, amino acid conservation, physicochemical variation, residue mobility, and thermodynamic stability) performed at Invitae indicates that this missense variant is not expected to disrupt GPSM2 protein function. ClinVar contains an entry for this variant (Variation ID: 1431275). This variant has not been reported in the literature in individuals affected with GPSM2-related conditions. This variant is present in population databases (rs754926445, gnomAD 0.01%). This sequence change replaces glutamic acid, which is acidic and polar, with lysine, which is basic and polar, at codon 120 of the GPSM2 protein (p.Glu120Lys).

Fulgent Genetics
Classification: Uncertain significance for Chudley-McCullough syndrome. Last evaluated: 2021-07-16. Review status: criteria provided, single submitter. Criteria: ACMG Guidelines, 2015. Collection method: clinical testing. Allele origin: unknown.